The following is an entry in ClinVar:

NM_032861.4(SERAC1):c.1592G>A (p.Ser531Asn)

Gene: SERAC1 (serine active site containing 1; minus strand). Cytogenetic location: 6q25.3.
Variant type: single nucleotide variant.
Coding change: c.1592G>A on transcript NM_032861.4 (MANE Select); coding-DNA position 1592, G replaced by A.
Protein change: p.Ser531Asn; replaces serine 531 with asparagine.
Molecular consequence: missense variant. On other transcripts: non-coding transcript variant (1).
Genome position (GRCh38, 1-based): chr6:158,114,881, C>T on the plus strand (G>A on the coding strand, the complement: SERAC1 is on the minus strand). VCF-style: chr6-158114881-C-T. GRCh37 (hg19) VCF-style: chr6-158535913-C-T.
Other names: short protein forms S531N.
Identifiers: ClinVar variation 391194 (VCV000391194.3), dbSNP rs1057524000, ClinGen allele CA16605066.

ClinVar aggregate classification (germline): Likely pathogenic (1 of 4 stars; one submission).

Allele frequency attached by ClinVar (database versions not stated): TOPMed below 0.00001.

Submission:

GeneDx
Classification: Likely pathogenic. Last evaluated: 2024-11-08. Review status: criteria provided, single submitter. Criteria: GeneDx Variant Classification Process June 2021. Collection method: clinical testing. Allele origin: germline. Affected: yes.
Comment: Not observed at significant frequency in large population cohorts (gnomAD); In silico analysis supports that this missense variant has a deleterious effect on protein structure/function; Has not been previously published as pathogenic or benign to our knowledge